The following is an entry in ClinVar:

ClinVar aggregate classification (germline): Uncertain significance (1 of 4 stars; one submission).

Allele frequency attached by ClinVar (database versions not stated): gnomAD exomes below 0.00001 and 0.00001; ExAC 0.00002.
gnomAD v4.1: 1 of 1,613,562 alleles (0.000062%); highest among the groups gnomAD compares: Non-Finnish European, 0.000085%; no homozygotes.

Submission:

GeneDx
Classification: Uncertain significance. Last evaluated: 2021-05-27. Review status: criteria provided, single submitter. Criteria: GeneDx Variant Classification Process June 2021. Collection method: clinical testing. Allele origin: germline. Affected: yes.
Comment: Not observed at a significant frequency in large population cohorts (Lek et al., 2016); In silico analysis supports that this missense variant does not alter protein structure/function; Has not been previously published as pathogenic or benign to our knowledge

NM_001129.5(AEBP1):c.1024C>A (p.Pro342Thr)

Gene: AEBP1 (AE binding protein 1; plus strand). Cytogenetic location: 7p13.
Variant type: single nucleotide variant.
Coding change: c.1024C>A on transcript NM_001129.5 (MANE Select); coding-DNA position 1024, C replaced by A.
Protein change: p.Pro342Thr; replaces proline 342 with threonine.
Molecular consequence: missense variant.
Genome position (GRCh38, 1-based): chr7:44,109,112, C>A. VCF-style: chr7-44109112-C-A. GRCh37 (hg19) VCF-style: chr7-44148711-C-A.
Other names: short protein forms P342T.
Identifiers: ClinVar variation 1326488 (VCV001326488.2), dbSNP rs747456923, ClinGen allele CA4237725.
Genomic context (GRCh38, chr7:44,109,112, plus strand): 5'-GGTCCTCAAAGCCCAGAGCCAGGCTGACTGGCCCCTCCTACCTTGCACCTTCCAGAGAAA[C>A]CCAAAAAGGAGGACAGCAGCCCCAAGGAGGAGACCGACAAGTGGGCAGTGGAGAAGGGCA-3'
Protein context (NP_001120.3, residues 332-352): TDEEKEELKK[Pro342Thr]KKEDSSPKEE